The following is an entry in ClinVar:

ClinVar aggregate classification (germline): Likely pathogenic (1 of 4 stars; one submission).

Submission:

Labcorp Genetics (formerly Invitae), Labcorp
Classification: Likely pathogenic. Last evaluated: 2026-01-13. Review status: criteria provided, single submitter. Criteria: Invitae Variant Classification Sherloc (09022015). Collection method: clinical testing. Allele origin: germline.
Comment: This sequence change affects a donor splice site in intron 8 of the VLDLR gene. It is expected to disrupt RNA splicing. Variants that disrupt the donor or acceptor splice site typically lead to a loss of protein function (PMID: 16199547), and loss-of-function variants in VLDLR are known to be pathogenic (PMID: 18043714, 18326629, 22532556). This variant is not present in population databases (gnomAD no frequency). This variant has not been reported in the literature in individuals affected with VLDLR-related conditions. Algorithms developed to predict the effect of sequence changes on RNA splicing suggest that this variant may disrupt the consensus splice site. In summary, the currently available evidence indicates that the variant is pathogenic, but additional data are needed to prove that conclusively. Therefore, this variant has been classified as Likely Pathogenic.

Literature cited by the submitters: PubMed 16199547; PubMed 18043714; PubMed 18326629; PubMed 22532556.

NM_003383.5(VLDLR):c.1186+1G>T

Gene: VLDLR (very low density lipoprotein receptor; plus strand). Cytogenetic location: 9p24.2.
Variant type: single nucleotide variant.
Coding change: c.1186+1G>T on transcript NM_003383.5 (MANE Select); the canonical splice donor site of the intron after coding-DNA position 1186, G replaced by T.
Molecular consequence: splice donor variant.
Genome position (GRCh38, 1-based): chr9:2,644,854, G>T. VCF-style: chr9-2644854-G-T. GRCh37 (hg19) VCF-style: chr9-2644854-G-T.
Other names: c.1186+1G>T (NM_001018056.3); c.1063+1G>T (NM_001322225.2, NM_001322226.2).
Identifiers: ClinVar variation 4735338 (VCV004735338.1).